The following is an entry in ClinVar:

ClinVar aggregate classification (germline): Pathogenic (1 of 4 stars; one submission).

Allele frequency attached by ClinVar (database versions not stated): gnomAD exomes below 0.00001.
gnomAD v4.1: 1 of 1,547,818 alleles (0.000065%); highest among the groups gnomAD compares: South Asian, 0.0012%; no homozygotes.

Submission:

Labcorp Genetics (formerly Invitae), Labcorp
Classification: Pathogenic. Last evaluated: 2022-11-24. Review status: criteria provided, single submitter. Criteria: Invitae Variant Classification Sherloc (09022015). Collection method: clinical testing. Allele origin: germline.
Comment: Advanced modeling of protein sequence and biophysical properties (such as structural, functional, and spatial information, amino acid conservation, physicochemical variation, residue mobility, and thermodynamic stability) performed at Invitae indicates that this missense variant is expected to disrupt BEST1 protein function. Algorithms developed to predict the effect of sequence changes on RNA splicing suggest that this variant may disrupt the consensus splice site. This variant disrupts the p.Gln96 amino acid residue in BEST1. Other variant(s) that disrupt this residue have been determined to be pathogenic (PMID: 10394929, 20381869). This suggests that this residue is clinically significant, and that variants that disrupt this residue are likely to be disease-causing. For these reasons, this variant has been classified as Pathogenic. This missense change has been observed in individuals with autosomal dominant Best disease (PMID: 31519547, 33090715). This sequence change replaces glutamine, which is neutral and polar, with leucine, which is neutral and non-polar, at codon 96 of the BEST1 protein (p.Gln96Leu). This variant is not present in population databases (gnomAD no frequency).

Literature cited by the submitters: PubMed 10394929; PubMed 20381869; PubMed 31519547; PubMed 33090715.

NM_004183.4(BEST1):c.287A>T (p.Gln96Leu)

Gene: BEST1 (bestrophin 1; plus strand). Cytogenetic location: 11q12.3.
Variant type: single nucleotide variant.
Coding change: c.287A>T on transcript NM_004183.4 (MANE Select); coding-DNA position 287, A replaced by T.
Protein change: p.Gln96Leu; replaces glutamine 96 with leucine.
Molecular consequence: missense variant. On other transcripts: non-coding transcript variant (1).
Genome position (GRCh38, 1-based): chr11:61,955,757, A>T. VCF-style: chr11-61955757-A-T. GRCh37 (hg19) VCF-style: chr11-61723229-A-T.
Other names: c.107A>T, p.Gln36Leu (NM_001139443.3, NM_001300786.2, NM_001300787.2); c.-32A>T (NM_001363591.3); c.287A>T, p.Gln96Leu (NM_001363592.2); c.-889A>T (NM_001363593.3); short protein forms Q36L, Q96L.
Identifiers: ClinVar variation 2982299 (VCV002982299.3), dbSNP rs1225032182, ClinGen allele CA380834090.